The following is an entry in ClinVar:

ClinVar aggregate classification (germline): Uncertain significance (1 of 4 stars; one submission).

Conditions:
Inborn genetic diseases. Identifiers: MedGen C0950123, MeSH D030342.

gnomAD v4.1: 1 of 1,613,840 alleles (0.000062%); highest among the groups gnomAD compares: Non-Finnish European, 0.000085%; no homozygotes.

Submission:

Ambry Genetics
Classification: Uncertain significance for Inborn genetic diseases. Last evaluated: 2025-08-20. Review status: criteria provided, single submitter. Criteria: Ambry Variant Classification Scheme 2023. Collection method: clinical testing. Allele origin: germline.
Comment: The p.T663I variant (also known as c.1988C>T), located in coding exon 1 of the SAMD9 gene, results from a C to T substitution at nucleotide position 1988. The threonine at codon 663 is replaced by isoleucine, an amino acid with similar properties. This amino acid position is conserved. In addition, this alteration is predicted to be tolerated by in silico analysis. Based on the available evidence, the clinical significance of this variant remains unclear.

NM_017654.4(SAMD9):c.1988C>T (p.Thr663Ile)

Gene: SAMD9 (sterile alpha motif domain containing 9; minus strand). Cytogenetic location: 7q21.2.
Variant type: single nucleotide variant.
Coding change: c.1988C>T on transcript NM_017654.4 (MANE Select); coding-DNA position 1988, C replaced by T.
Protein change: p.Thr663Ile; replaces threonine 663 with isoleucine.
Molecular consequence: missense variant.
Genome position (GRCh38, 1-based): chr7:93,104,110, G>A on the plus strand (C>T on the coding strand, the complement: SAMD9 is on the minus strand). VCF-style: chr7-93104110-G-A. GRCh37 (hg19) VCF-style: chr7-92733423-G-A.
Other names: c.1988C>T, p.Thr663Ile (NM_001193307.2); short protein forms T663I.
Identifiers: ClinVar variation 4159168 (VCV004159168.1).
Genomic context (GRCh38, chr7:93,104,110, plus strand): 5'-AAGTCTTCCTCTTTTGATGCCTTGAATTCAAGGAATTTATTTTTGTCCTTCTCTAACAGT[G>A]TACCCTCACATTCATTTTCACAGATAATTTCCAGAGCAGTCATGATATCTTCTTCCTTTT-3'
Protein context (NP_060124.2, residues 653-673): EIICENECEG[Thr663Ile]LLEKDKNKFL